The following is an entry in ClinVar:

ClinVar aggregate classification (germline): Uncertain significance (1 of 4 stars; one submission).

Conditions:
Adenylosuccinate lyase deficiency (ADSLD). Also called: ADSL DEFICIENCY. Identifiers: Orphanet 46, MedGen C0268126, MONDO:0007068, OMIM 103050.

Allele frequency attached by ClinVar (database versions not stated): gnomAD 0.00003; TOPMed 0.00006.

Submission:

Labcorp Genetics (formerly Invitae), Labcorp
Classification: Uncertain significance for Adenylosuccinate lyase deficiency. Last evaluated: 2022-01-21. Review status: criteria provided, single submitter. Criteria: Invitae Variant Classification Sherloc (09022015). Collection method: clinical testing. Allele origin: germline.
Comment: This variant occurs in a non-coding region of the ADSL gene. It does not change the encoded amino acid sequence of the ADSL protein. This variant is not present in population databases (gnomAD no frequency). This variant has not been reported in the literature in individuals affected with ADSL-related conditions. Experimental studies and prediction algorithms are not available or were not evaluated, and the functional significance of this variant is currently unknown. In summary, the available evidence is currently insufficient to determine the role of this variant in disease. Therefore, it has been classified as a Variant of Uncertain Significance.

NC_000022.11:g.40345635T>C

Gene: ADSL (adenylosuccinate lyase; plus strand). Cytogenetic location: 22q13.1.
Variant type: single nucleotide variant.
Genome position: GRCh38 VCF-style: chr22-40345635-T-C. GRCh37 (hg19) VCF-style: chr22-40741639-T-C.
Identifiers: ClinVar variation 1438912 (VCV001438912.3), dbSNP rs1380960379, ClinGen allele CA753179595.